The following is an entry in ClinVar:

NM_001130009.3(GEN1):c.1382T>C (p.Leu461Ser)

Gene: GEN1 (GEN1 structure-specific endonuclease; plus strand). Cytogenetic location: 2p24.2.
Variant type: single nucleotide variant.
Coding change: c.1382T>C on transcript NM_001130009.3 (MANE Select); coding-DNA position 1382, T replaced by C.
Protein change: p.Leu461Ser; replaces leucine 461 with serine.
Molecular consequence: missense variant.
Genome position (GRCh38, 1-based): chr2:17,780,095, T>C. VCF-style: chr2-17780095-T-C. GRCh37 (hg19) VCF-style: chr2-17961362-T-C.
Other names: c.1382T>C, p.Leu461Ser (NM_182625.5); short protein forms L461S.
Identifiers: ClinVar variation 4029344 (VCV004029344.2).
Genomic context (GRCh38, chr2:17,780,095, plus strand): 5'-AAGAATCATTGTTTGAAGCAGCATATCCTGAGATCGTTGCTGTTTACCAAAAACAAAAGT[T>C]AGAAATTAAAGGGAAGAAACAAAAACGTAAGTTTTGGGTTTGATAGCTATTTATGCCACA-3'
Protein context (NP_001123481.3, residues 451-471): EIVAVYQKQK[Leu461Ser]EIKGKKQKRI

ClinVar aggregate classification (germline): Uncertain significance (1 of 4 stars; one submission).

gnomAD v4.1: 5 of 1,612,774 alleles (0.00031%); highest among the groups gnomAD compares: Non-Finnish European, 0.00034%; no homozygotes.

Submission:

Ambry Genetics
Classification: Uncertain significance. Last evaluated: 2026-03-07. Review status: criteria provided, single submitter. Criteria: Ambry Variant Classification Scheme 2023. Collection method: clinical testing. Allele origin: germline.
Comment: The p.L461S variant (also known as c.1382T>C), located in coding exon 12 of the GEN1 gene, results from a T to C substitution at nucleotide position 1382. The leucine at codon 461 is replaced by serine, an amino acid with dissimilar properties. This amino acid position is conserved. In addition, this alteration is predicted to be tolerated by in silico analysis. Based on the available evidence, the clinical significance of this variant remains unclear.